The following is an entry in ClinVar:

NM_000352.6(ABCC8):c.220C>T (p.Arg74Trp)

Gene: ABCC8 (ATP binding cassette subfamily C member 8; minus strand). Cytogenetic location: 11p15.1.
Variant type: single nucleotide variant.
Coding change: c.220C>T on transcript NM_000352.6 (MANE Select); coding-DNA position 220, C replaced by T.
Protein change: p.Arg74Trp; replaces arginine 74 with tryptophan.
Molecular consequence: missense variant. On other transcripts: non-coding transcript variant (1).
Genome position (GRCh38, 1-based): chr11:17,474,956, G>A on the plus strand (C>T on the coding strand, the complement: ABCC8 is on the minus strand). VCF-style: chr11-17474956-G-A. GRCh37 (hg19) VCF-style: chr11-17496503-G-A.
Other names: NM_000352.6(ABCC8):c.220C>T; p.Arg74Trp; c.220C>T, p.Arg74Trp (NM_001287174.3, NM_001351295.2, NM_001351296.2 and 1 more transcripts); short protein forms R74W.
Identifiers: ClinVar variation 371380 (VCV000371380.20), dbSNP rs201682634, ClinGen allele CA5903947.

ClinVar aggregate classification (germline): Pathogenic/Likely pathogenic. Review status: criteria provided, multiple submitters, no conflicts (2 of 4 stars). 8 submissions from 8 submitters: Pathogenic (6); Likely pathogenic (1). 1 of the submissions does not count toward it. Last evaluated 2024-04-08.

Conditions:
Type 2 diabetes mellitus. Also called: Type II diabetes mellitus. Identifiers: MedGen C0011860, MeSH D003924, MONDO:0005148, OMIM 125853, HP:0005978.
ABCC8-related disorder.
Hyperinsulinemic hypoglycemia, familial, 1 (HHF1). Also called: HYPERINSULINISM, FAMILIAL, WITH PANCREATIC NESIDIOBLASTOSIS; HYPOGLYCEMIA, HYPERINSULINEMIC, OF INFANCY; NESIDIOBLASTOSIS OF PANCREAS; Persistent hyperinsulinemic hypoglycemia of infancy; Persistent Hyperinsulinemia Hypoglycemia of Infancy. Identifiers: Orphanet 276575, Orphanet 276598, MedGen C2931832, MONDO:0009734, OMIM 256450.
Leucine-induced hypoglycemia (LIH). Also called: LEUCINE-SENSITIVE HYPOGLYCEMIA OF INFANCY. Identifiers: MedGen C0271714, MONDO:0009415, OMIM 240800.
Diabetes mellitus, permanent neonatal 3. Also called: ABCC8-Related Permanent Neonatal Diabetes Mellitus. Identifiers: MedGen C5394303, MONDO:0030088, OMIM 618857.
Diabetes mellitus, transient neonatal, 2 (TNDM2). Identifiers: Orphanet 99886, MedGen C1835887, MONDO:0012480, OMIM 610374. Disease mechanism: loss of function.
Familial hyperinsulinism. Also called: Congenital hyperinsulinism. Identifiers: Orphanet 276525, MedGen C3888018, MONDO:0017182. Disease mechanism: loss of function.
Hereditary hyperinsulinism.

Allele frequency attached by ClinVar (database versions not stated): TOPMed below 0.00001; gnomAD 0.00001 and 0.00002; gnomAD exomes 0.00001; ExAC 0.00002; 1000 Genomes Project 30x 0.00016; 1000 Genomes Project 0.00020.

Submissions (8):

Natera, Inc.
Classification: Pathogenic for Hereditary hyperinsulinism. Last evaluated: 2024-04-08. Review status: criteria provided, single submitter. Criteria: Natera Variant Classification Schema (03/2026). Collection method: clinical testing. Allele origin: germline.
Comment: The c.220C>T variant in ABCC8 is a missense variant predicted to cause substitution of arginine to tryptophan at amino acid 74. This variant is rare in the general population with a frequency below the threshold expected for the associated phenotype(s). This variant has been observed in one or more individuals affected with the associated recessive disease, as either homozygous or compound heterozygous with a second variant (PMID: 14692646, 15562009, 17575084). Functional studies show that this variant may disrupt protein function (PMID: 17575084, 21321069). A different variant at the same position has been determined to be Pathogenic or Likely Pathogenic. Computational prediction algorithms indicate this variant is likely to affect gene or protein function. Given the available evidence, this variant is classified as Pathogenic.

Rady Children's Institute for Genomic Medicine, Rady Children's Hospital San Diego
Classification: Pathogenic for ABCC8-related disorders. Last evaluated: 2024-01-24. Review status: criteria provided, single submitter. Criteria: ACMG Guidelines, 2015. Collection method: clinical testing. Allele origin: germline. Affected: yes.
Comment: The c.220C>T (p.Arg74Trp) variant affects a highly conserved amino acid and is predicted by multiple in silico tools to have a deleterious effect on protein function. This variant has been previously reported as a heterozygous and compound heterozygous change in patients with hyperinsulinemic hypoglycemia and late adolescence/adult-onset diabetes (PMID: 14692646, 19151370, 24645945, 25518065, 31291970). Different amino acid changes at the same residue (p.Arg74Gln, p.Arg74Leu) have been previously reported in individuals with hyperinsulinemic hypoglycemia and early-onset diabetes (PMID: 9618169, 27810688, 30352420, 33046911, 36239000, 32027066). Multiple functional studies have demonstrated this variant to have a deleterious effect on the protein cell surface expression, stability, and function (PMID: 17575084, 19151370, 21321069). The c.220C>T (p.Arg74Trp) variant is present in the heterozygous state in the gnomAD v4 population database at a frequency of 0.0005% (9/1614174), and is absent in the homozygous state, thus is presumed to be rare. Based on the available evidence, c.220C>T (p.Arg74Trp) is classified as Pathogenic.

Baylor Genetics
Classification: Pathogenic for Type 2 diabetes mellitus. Last evaluated: 2023-12-13. Review status: criteria provided, single submitter. Criteria: ACMG Guidelines, 2015. Collection method: clinical testing. Allele origin: unknown.

Broad Center for Mendelian Genomics, Broad Institute of MIT and Harvard
Classification: Likely pathogenic for Hyperinsulinemic hypoglycemia, familial, 1. Last evaluated: 2023-08-16. Review status: criteria provided, single submitter. Criteria: ACMG Guidelines, 2015. Collection method: curation. Allele origin: germline. Inheritance: Autosomal recessive inheritance.
Comment: The p.Arg74Trp variant in ABCC8 has been reported in 9 individuals with hyperinsulinemic hypoglycemia (PMID: 14692646, 14715863, 16357843, 16429405, 20432820, 23345197, 26740944, 24645945, 25518065), and has been identified in 0.002% (3/129106) of European (non-Finnish) chromosomes by the Genome Aggregation Database (gnomAD; dbSNP rs201682634). Although this variant has been seen in the general population in a heterozygous state, its frequency is low enough to be consistent with a recessive carrier frequency. This variant has also been reported in ClinVar (Variation ID: 371380) and has been interpreted as pathogenic/likely pathogenic by Invitae, Women's Health and Genetics/Laboratory Corporation of America (LabCorp), Fulgent Genetics, Natera (Inc.), and Counsyl. Of the 9 affected individuals, 3 were compound heterozygotes that carried a reported pathogenic variant in trans, which increases the likelihood that the p.Arg74Trp variant is pathogenic (PMID: 14692646, 16357843, 20432820). In vitro functional studies provide some evidence that the p.Arg74Trp variant may slightly impact protein function (PMID: 17575084). However, these types of assays may not accurately represent biological function. Computational prediction tools and conservation analyses suggest that this variant may impact the protein, though this information is not predictive enough to determine pathogenicity. One additional pathogenic variant, resulting in a different amino acid change at the same position, (p.Arg74Gln), has been reported in association with disease in the literature/ClinVar, supporting that a change at this position may not be tolerated (PMID: 9618169, 10338089, 10828824, 20685672, 23275527, 23345197, 28701683, 30352420, 36239000/Variation ID: 495834). In summary, although additional studies are required to fully establish its clinical significance, this variant is likely pathogenic for autosomal recessive hyperinsulinemic hypoglycemia. ACMG/AMP Criteria applied: PM3_strong, PM2_supporting, PS3_supporting, PP3, PM5 (Richards 2015).

Labcorp Genetics (formerly Invitae), Labcorp
Classification: Pathogenic. Last evaluated: 2023-07-18. Review status: criteria provided, single submitter. Criteria: Invitae Variant Classification Sherloc (09022015). Collection method: clinical testing. Allele origin: germline.
Comment: ClinVar contains an entry for this variant (Variation ID: 371380). Advanced modeling of protein sequence and biophysical properties (such as structural, functional, and spatial information, amino acid conservation, physicochemical variation, residue mobility, and thermodynamic stability) performed at Invitae indicates that this missense variant is expected to disrupt ABCC8 protein function. Experimental studies have shown that this missense change affects ABCC8 function (PMID: 17575084, 19151370, 21321069). For these reasons, this variant has been classified as Pathogenic. This missense change has been observed in individuals with autosomal recessive familial hyperinsulinism (PMID: 14692646, 16429405, 24645945, 25518065). This variant has been reported in individual(s) with autosomal dominant hyperinsulinemic hypoglycemia (PMID: 24645945); however, the role of the variant in this condition is currently unclear. This sequence change replaces arginine, which is basic and polar, with tryptophan, which is neutral and slightly polar, at codon 74 of the ABCC8 protein (p.Arg74Trp). This variant is present in population databases (rs201682634, gnomAD 0.002%).

Women's Health and Genetics/Laboratory Corporation of America, LabCorp
Classification: Pathogenic for Familial hyperinsulinism. Last evaluated: 2022-04-21. Review status: criteria provided, single submitter. Criteria: LabCorp Variant Classification Summary - May 2015. Collection method: clinical testing. Allele origin: germline.
Comment: Variant summary: ABCC8 c.220C>T (p.Arg74Trp) results in a non-conservative amino acid change in the encoded protein sequence. Five of five in-silico tools predict a damaging effect of the variant on protein function. The variant allele was found at a frequency of 8e-06 in 251388 control chromosomes (gnomAD). c.220C>T has been reported in the literature in heterozygous state in multiple patients affected with focal- (or unspecified) Congenital Hyperinsulinism (CHI), as well as in patients with diffuse CHI (Suchi_2003, Fernandez-Marmiesse_2006, Senniappan_2014, Fan_2015), and in at least one case affected with diffuse HI, the presence of another pathogenic variant (R1215Q) in trans was indicated (Suchi_2003). Publications also reported experimental evidence evaluating an impact on protein function, and demonstrated strongly reduced cell surface expression (Yan_2007, Pratt_2009, Pratt_2011). Three clinical diagnostic laboratories have submitted clinical-significance assessments for this variant to ClinVar after 2014 without evidence for independent evaluation, and all of them classified the variant as pathogenic/likely pathogenic. Based on the evidence outlined above, the variant was classified as pathogenic.

Fulgent Genetics
Classification: Pathogenic for Type 2 diabetes mellitus; Leucine-induced hypoglycemia; Hyperinsulinemic hypoglycemia, familial, 1; Diabetes mellitus, transient neonatal, 2; Diabetes mellitus, permanent neonatal 3. Last evaluated: 2022-01-18. Review status: criteria provided, single submitter. Criteria: ACMG Guidelines, 2015. Collection method: clinical testing. Allele origin: unknown.

Counsyl
Classification: Likely pathogenic for Hyperinsulinemic hypoglycemia, familial, 1. Last evaluated: 2016-09-16. Review status: no assertion criteria provided. Collection method: clinical testing. Allele origin: unknown. Not counted in ClinVar's aggregate classification.

Literature cited by the submitters: PubMed 14692646 (cited by 4 submitters); PubMed 15562009 (cited by Natera, Inc. and Women's Health and Genetics/Laboratory Corporation of America, LabCorp); PubMed 17575084 (cited by 4 submitters); PubMed 21321069 (cited by 4 submitters); PubMed 31821855 (cited by Broad Center for Mendelian Genomics, Broad Institute of MIT and Harvard); PubMed 19151370 (cited by 3 submitters); PubMed 16429405 (cited by 3 submitters); PubMed 24645945 (cited by 3 submitters); PubMed 25518065 (cited by Labcorp Genetics (formerly Invitae), Labcorp and Counsyl); PubMed 14715863 (cited by Women's Health and Genetics/Laboratory Corporation of America, LabCorp); PubMed 16357843 (cited by Women's Health and Genetics/Laboratory Corporation of America, LabCorp); PubMed 26740944 (cited by Women's Health and Genetics/Laboratory Corporation of America, LabCorp and Counsyl); PubMed 20432820 (cited by Counsyl); PubMed 23744072 (cited by Counsyl); PubMed 25201519 (cited by Counsyl).